The following is an entry in ClinVar:

ClinVar aggregate classification (germline): Uncertain significance (1 of 4 stars; one submission).

Submission:

Labcorp Genetics (formerly Invitae), Labcorp
Classification: Uncertain significance. Last evaluated: 2023-07-12. Review status: criteria provided, single submitter. Criteria: Invitae Variant Classification Sherloc (09022015). Collection method: clinical testing. Allele origin: germline.
Comment: An algorithm developed to predict the effect of missense changes on protein structure and function (PolyPhen-2) suggests that this variant is likely to be disruptive. This sequence change replaces glutamic acid, which is acidic and polar, with aspartic acid, which is acidic and polar, at codon 242 of the ACVR1 protein (p.Glu242Asp). This variant is not present in population databases (gnomAD no frequency). This variant has not been reported in the literature in individuals affected with ACVR1-related conditions. In summary, the available evidence is currently insufficient to determine the role of this variant in disease. Therefore, it has been classified as a Variant of Uncertain Significance.

NM_001111067.4(ACVR1):c.726G>T (p.Glu242Asp)

Gene: ACVR1 (activin A receptor type 1; minus strand). Cytogenetic location: 2q24.1.
Variant type: single nucleotide variant.
Coding change: c.726G>T on transcript NM_001111067.4 (MANE Select); coding-DNA position 726, G replaced by T.
Protein change: p.Glu242Asp; replaces glutamic acid 242 with aspartic acid.
Molecular consequence: missense variant.
Genome position (GRCh38, 1-based): chr2:157,770,432, C>A on the plus strand (G>T on the coding strand, the complement: ACVR1 is on the minus strand). VCF-style: chr2-157770432-C-A. GRCh37 (hg19) VCF-style: chr2-158626944-C-A.
Other names: c.726G>T, p.Glu242Asp (NM_001105.5, NM_001347663.1, NM_001347664.1 and 3 more transcripts); short protein forms E242D.
Identifiers: ClinVar variation 2742331 (VCV002742331.3), dbSNP rs2467941912, ClinGen allele CA349191348.
Genomic context (GRCh38, chr2:157,770,432, plus strand): 5'-GATATTTTCATGCCTCAGCATCACAGTGTTGTACAATTCCGTTTCCCTGAACCATGACTT[C>A]TCATCACGGGAGGAGAAGATCTTCACGGCAACATTCTCCCCTTGCCAGCTGCCCCTCCAC-3'
Protein context (NP_001104537.1, residues 232-252): VAVKIFSSRD[Glu242Asp]KSWFRETELY